The following is an entry in ClinVar:

NM_001128178.3(NPHP1):c.609dup (p.Arg204fs)

Gene: NPHP1 (nephrocystin 1; minus strand). Cytogenetic location: 2q13.
Variant type: Duplication.
Coding change: c.609dup on transcript NM_001128178.3 (MANE Select); coding-DNA position 609, one base duplicated (C; older notation c.609dupC).
Protein change: p.Arg204fs; shifts the reading frame from arginine 204.
Molecular consequence: frameshift variant.
Genome position (GRCh38, 1-based): chr2:110,168,467, G duplicated on the plus strand (C on the coding strand, the reverse complement: NPHP1 is on the minus strand); the first of 3 consecutive G bases (chr2:110,168,467-110,168,469); duplicating any one gives the same sequence. VCF-style (leftmost placement, unchanged base first): chr2-110168466-T-TG. GRCh37 (hg19) VCF-style: chr2-110926043-T-TG.
Other names: c.609dup, p.Arg204fs (NM_000272.5, NM_001374256.1, NM_001374257.1 and 1 more transcripts); c.423dup, p.Arg142fs (NM_001128179.3); short protein forms R204fs, R142fs.
Identifiers: ClinVar variation 3775520 (VCV003775520.1).

ClinVar aggregate classification (germline): Pathogenic (1 of 4 stars; one submission).

Conditions:
Senior-Loken syndrome 1 (SLSN1). Also called: JUVENILE NEPHRONOPHTHISIS WITH LEBER AMAUROSIS. Identifiers: Orphanet 3156, MedGen C4551559, MONDO:0009962, OMIM 266900.

Submission:

3billion
Classification: Pathogenic for Senior-Loken syndrome 1. Last evaluated: 2024-01-11. Review status: criteria provided, single submitter. Criteria: ACMG Guidelines, 2015. Collection method: clinical testing. Allele origin: germline. Affected: yes.
Comment: The variant is not observed in the gnomAD v2.1.1 dataset. Predicted Consequence/Location: Frameshift: predicted to result in a loss or disruption of normal protein function through nonsense-mediated decay (NMD) or protein truncation. Multiple pathogenic variants are reported downstream of the variant. The variant has been reported to be associated with NPHP1 related disorder (PMID: 27491411). Therefore, this variant is classified as Pathogenic according to the recommendation of ACMG/AMP guideline.

Literature cited by the submitters: PubMed 27491411.